The following is an entry in ClinVar:

ClinVar aggregate classification (germline): Conflicting classifications of pathogenicity. Review status: criteria provided, conflicting classifications (1 of 4 stars). 12 submissions from 12 submitters: Uncertain significance (8); Likely benign (2). 2 of the submissions do not count toward it. Last evaluated 2026-03-07.

Conditions:
MYH7-related disorder. Also called: MYH7-related condition; MYH7-related disease; MYH7-related disorders.
Cardiovascular phenotype. Identifiers: MedGen CN230736.
MYH7-related skeletal myopathy. Also called: MYOPATHY, DISTAL, EARLY-ONSET, AUTOSOMAL DOMINANT; MYOPATHY, LATE DISTAL HEREDITARY; Laing distal myopathy; Laing early-onset distal myopathy; Myopathy, distal, 1. Identifiers: Orphanet 59135, MedGen C4552004, MONDO:0008050, OMIM 160500.
Hypertrophic cardiomyopathy 1 (CMH1). Also called: Familial hypertrophic cardiomyopathy 1; MYH7-Related Familial Hypertrophic Cardiomyopathy. Identifiers: MedGen C3495498, MONDO:0008647, OMIM 192600.
Myopathy, myosin storage, autosomal recessive (CMYO7B). Also called: CONGENITAL MYOPATHY 7B, MYOSIN STORAGE, AUTOSOMAL RECESSIVE. Identifiers: Orphanet 636970, MedGen C1850709, MONDO:0009708, OMIM 255160.
Myosin storage myopathy (CMYO7A). Also called: MYH7-related late-onset scapuloperoneal muscular dystrophy; Congenital myopathy 7A, myosin storage, autosomal dominant; MYOPATHY, HYALINE BODY, AUTOSOMAL DOMINANT; Scapuloperoneal myopathy, MYH7-related; MYOPATHY WITH LYSIS OF TYPE I MYOFIBRILS; SCAPULOPERONEAL MUSCULAR DYSTROPHY. Identifiers: Orphanet 437572, Orphanet 636965, MedGen C1842160, MONDO:0008409, OMIM 608358.
Congenital myopathy with fiber type disproportion. Also called: Congenital fiber-type disproportion; Congenital fiber-type disproportion myopathy. Identifiers: Orphanet 2020, MedGen C0546264, MONDO:0009711. Inheritance: all.
Dilated cardiomyopathy 1S (CMD1S). Identifiers: Orphanet 154, Orphanet 54260, MedGen C1834481, MONDO:0013262, OMIM 613426.
Cardiomyopathy (CMYO). Also called: Cardiomyopathies. Identifiers: Orphanet 167848, MedGen C0878544, MONDO:0004994, HP:0001638. Inheritance: Various modes of inheritance.
Hypertrophic cardiomyopathy. Also called: HYPERTROPHIC MYOCARDIOPATHY. Identifiers: Orphanet 217569, MedGen C0007194, MeSH D002312, MONDO:0005045, HP:0001639.

Allele frequency attached by ClinVar (database versions not stated): gnomAD 0.00005 and 0.00007; gnomAD exomes 0.00007 and 0.00013; ESP Exome Variant Server 0.00008; ExAC 0.00015; TOPMed 0.00003.
gnomAD v4.1: 121 of 1,613,322 alleles (0.0075%); highest among the groups gnomAD compares: South Asian, 0.033%; no homozygotes.

Submissions (12):

Clinical Genomics Laboratory, Washington University in St. Louis
Classification: Uncertain significance for Hypertrophic cardiomyopathy 1. Last evaluated: 2026-03-07. Review status: criteria provided, single submitter. Criteria: ACMG Guidelines, 2015. Collection method: clinical testing. Allele origin: germline.
Comment: The MYH7 c.4010G>A (p.Arg1337Gln) variant has been reported in three individuals, one affected with hypertrophic cardiomyopathy (Berge K et al., PMID: 24111713), second with left ventricular hypertrabeculation (LVHT) (Miszalski-Jamka K et al., PMID: 28798025) and third without any cardiac related abnormalities (Bick A et al., PMID: 22958901), and has been reported in the ClinVar database as a germline variant of uncertain significance by six submitters and likely benign variant by two submitters (ClinVar ID: 181238). This variant is observed on 121/1,613,322 alleles in the general population (gnomAD v4.1.0). Computational predictors indicate that the variant is damaging, evidence that correlates with impact to MYH7 function. Due to limited information, and based on ACMG/AMP guidelines for variant interpretation (Richards S et al., PMID: 25741868) and ClinGen Cardiomyopathy Expert Panel Specifications, the clinical significance of this variant is uncertain at this time.

PreventionGenetics, part of Exact Sciences
Classification: Uncertain significance for MYH7-related condition. Last evaluated: 2026-02-28. Review status: criteria provided, single submitter. Criteria: ACMG Guidelines, 2015. Collection method: clinical testing. Allele origin: germline.
Comment: The MYH7 c.4010G>A variant is predicted to result in the amino acid substitution p.Arg1337Gln. This variant has been reported in the heterozygous state in an individual with hypertrophic cardiomyopathy (Berge et al. 2014. PubMed ID: 24111713), left ventricular hypertrabeculation (Table S3, Miszalski-Jamka et al. 2017. PubMed ID: 28798025), and coronary artery disease (Arava et al. 2025. PubMed ID: 40617375). However, this variant has also been noted in unaffected family members in heart disease cohorts (Table S2, Bick et al. 2012. PubMed ID: 22958901; Table S6, Park et al. 2022. PubMed ID: 34542152) and as a secondary finding in an individual with Sandhoff disease who had no personal or family history of cardiomyopathy (Motwani et al. 2025. PubMed ID: 40762361). This variant is reported in 0.056% of alleles in individuals of South Asian descent in gnomAD which may be too frequent to be a primary cause of disease. This variant has conflicting classifications in ClinVar ranging from likely benign to uncertain (Variation ID: 181238). Although we suspect that this variant may be benign, at this time, the clinical significance of this variant is uncertain due to the absence of conclusive functional and genetic evidence.

Labcorp Genetics (formerly Invitae), Labcorp
Classification: Uncertain significance for Hypertrophic cardiomyopathy. Last evaluated: 2026-01-26. Review status: criteria provided, single submitter. Criteria: Invitae Variant Classification Sherloc (09022015). Collection method: clinical testing. Allele origin: germline.
Comment: This sequence change replaces arginine, which is basic and polar, with glutamine, which is neutral and polar, at codon 1337 of the MYH7 protein (p.Arg1337Gln). This variant is present in population databases (rs368575559, gnomAD 0.06%). This missense change has been observed in individual(s) with left ventricular noncompaction or hypertrophic cardiomyopathy (PMID: 24111713, 28798025). ClinVar contains an entry for this variant (Variation ID: 181238). Invitae Evidence Modeling of protein sequence and biophysical properties (such as structural, functional, and spatial information, amino acid conservation, physicochemical variation, residue mobility, and thermodynamic stability) has been performed for this missense variant. However, the output from this modeling did not meet the statistical confidence thresholds required to predict the impact of this variant on MYH7 protein function. In summary, the available evidence is currently insufficient to determine the role of this variant in disease. Therefore, it has been classified as a Variant of Uncertain Significance.

Laboratory of Genetics, Children's Clinical University Hospital Latvia
Classification: Likely benign. Last evaluated: 2025-02-16. Review status: criteria provided, single submitter. Criteria: ACMG Guidelines, 2015. Collection method: clinical testing. Allele origin: germline. Affected: yes.

All of Us Research Program, National Institutes of Health
Classification: Uncertain significance for Cardiomyopathy. Last evaluated: 2024-08-06. Review status: criteria provided, single submitter. Criteria: ACMG Guidelines, 2015. Collection method: clinical testing. Allele origin: germline. Inheritance: Autosomal dominant inheritance. Observed: 19 variant alleles, 19 heterozygotes.
Comment: This missense variant replaces arginine with glutamine at codon 1337 of the MYH7 protein. Computational prediction suggests that this variant may have a deleterious impact on protein structure and function (internally defined REVEL score threshold >= 0.7, PMID: 27666373). To our knowledge, functional studies have not been performed for this variant. This variant has been reported in an individual affected with hypertrophic cardiomyopathy (PMID: 24111713) and in an individual affected with left ventricular hypertrabeculation (PMID: 28798025). This variant has been identified in 34/281574 chromosomes in the general population by the Genome Aggregation Database (gnomAD). The elevated variant allele frequency in the general population indicates that this variant may not be disease-causing. However, additional studies are necessary to determine the role of this variant in disease conclusively. Therefore, this variant is classified as a Variant of Uncertain Significance.

This study involves interpretation of variants in research participants for the purpose of population health screening. Participant phenotype was not available at the time of variant classification. Additional details can be found in publication PMID: 35346344, PMCID: PMC8962531

Color Diagnostics, LLC DBA Color Health
Classification: Uncertain significance for Cardiomyopathy. Last evaluated: 2024-04-29. Review status: criteria provided, single submitter. Criteria: ACMG Guidelines, 2015. Collection method: clinical testing. Allele origin: germline.
Comment: This missense variant replaces arginine with glutamine at codon 1337 of the MYH7 protein. Computational prediction tools indicate that this variant has a deleterious impact on protein structure and function. To our knowledge, functional studies have not been performed for this variant. This variant has been reported in one individual affected with hypertrophic cardiomyopathy (PMID: 24111713) and in one individual affected with left ventricular hypertrabeculation (PMID: 28798025). This variant has been identified in 34/281574 chromosomes in the general population by the Genome Aggregation Database (gnomAD). The elevated variant allele frequency in the general population indicates that this variant may not be disease-causing. However, additional studies are necessary to determine the role of this variant in disease conclusively. Therefore, this variant is classified as a Variant of Uncertain Significance.

CeGaT Center for Human Genetics Tuebingen
Classification: Uncertain significance. Last evaluated: 2023-02-01. Review status: criteria provided, single submitter. Criteria: CeGaT Center For Human Genetics Tuebingen Variant Classification Criteria Version 2. Collection method: clinical testing. Allele origin: germline. Affected: yes. Observed: 1 variant allele.
Comment: MYH7: PP2, PP3

Ambry Genetics
Classification: Likely benign for Cardiovascular phenotype. Last evaluated: 2022-10-12. Review status: criteria provided, single submitter. Criteria: Ambry Variant Classification Scheme 2023. Collection method: clinical testing. Allele origin: germline.

Fulgent Genetics
Classification: Uncertain significance for MYH7-related skeletal myopathy; Myosin storage myopathy; Hypertrophic cardiomyopathy 1; Myopathy, myosin storage, autosomal recessive; Congenital myopathy 4A, autosomal dominant; Dilated cardiomyopathy 1S. Last evaluated: 2021-12-01. Review status: criteria provided, single submitter. Criteria: ACMG Guidelines, 2015. Collection method: clinical testing. Allele origin: unknown.

GeneDx
Classification: Uncertain significance. Last evaluated: 2021-11-09. Review status: criteria provided, single submitter. Criteria: GeneDx Variant Classification Process June 2021. Collection method: clinical testing. Allele origin: germline. Affected: yes.
Comment: Reported in one patient with HCM and one patient with left ventricular hypertrabeculation (Berge et al., 2014; Miszalski-Jamka et al., 2017); In silico analysis supports that this missense variant does not alter protein structure/function; Reported in ClinVar as a variant of uncertain significance (ClinVar Variant ID#181238; Landrum et al., 2016); This variant is associated with the following publications: (PMID: 24111713, 25649125, 22958901, 28798025, 26582918)

Clinical Genetics, Academic Medical Center
Classification: Uncertain significance. Review status: no assertion criteria provided. Collection method: clinical testing. Allele origin: germline. Affected: yes. Study: VKGL Data-share Consensus. Not counted in ClinVar's aggregate classification.

Laboratory of Diagnostic Genome Analysis, Leiden University Medical Center (LUMC)
Classification: Uncertain significance. Review status: no assertion criteria provided. Collection method: clinical testing. Allele origin: germline. Affected: yes. Study: VKGL Data-share Consensus. Not counted in ClinVar's aggregate classification.

Literature cited by the submitters: PubMed 24111713 (cited by 4 submitters); PubMed 28798025 (cited by 4 submitters); PubMed 22958901 (cited by Ambry Genetics); PubMed 34426522 (cited by Ambry Genetics); PubMed 34542152 (cited by Ambry Genetics).

NM_000257.4(MYH7):c.4010G>A (p.Arg1337Gln)

Gene: MYH7 (myosin heavy chain 7; minus strand). Cytogenetic location: 14q11.2.
Variant type: single nucleotide variant.
Coding change: c.4010G>A on transcript NM_000257.4 (MANE Select); coding-DNA position 4010, G replaced by A.
Protein change: p.Arg1337Gln; replaces arginine 1337 with glutamine.
Molecular consequence: missense variant.
Genome position (GRCh38, 1-based): chr14:23,418,369, C>T on the plus strand (G>A on the coding strand, the complement: MYH7 is on the minus strand). VCF-style: chr14-23418369-C-T. GRCh37 (hg19) VCF-style: chr14-23887578-C-T.
Other names: p.R1337Q:CGG>CAG; c.4010G>A (LRG_384t1); short protein forms R1337Q.
Identifiers: ClinVar variation 181238 (VCV000181238.57), dbSNP rs368575559, ClinGen allele CA014363.
Genomic context (GRCh38, chr14:23,418,369, plus strand): 5'-AGCTCGGCCTTGGCCTCCGTCTCCTCCTCGTACTGCTCCCGCAGCAGGTCGCAGTCATGC[C>T]GGGCCGACTGCAGTGCGTGGGCCAGGGCGTTCTTCGCCTGGGGAGGGGTGGGCACCAGGA-3'
Protein context (NP_000248.2, residues 1327-1347): NALAHALQSA[Arg1337Gln]HDCDLLREQY